The following is an entry in ClinVar:

ClinVar aggregate classification (germline): Likely benign. Review status: criteria provided, multiple submitters, no conflicts (2 of 4 stars). 2 submissions from 2 submitters: Likely benign (2). Last evaluated 2025-12-15.

Allele frequency attached by ClinVar (database versions not stated): ExAC 0.00004; gnomAD exomes 0.00005 and 0.00015; TOPMed 0.00005; gnomAD 0.00007; ESP Exome Variant Server 0.00015.
gnomAD v4.1: 232 of 1,614,040 alleles (0.014%); highest among the groups gnomAD compares: Non-Finnish European, 0.018%; no homozygotes.

Submissions (2):

Labcorp Genetics (formerly Invitae), Labcorp
Classification: Likely benign. Last evaluated: 2025-12-15. Review status: criteria provided, single submitter. Criteria: Invitae Variant Classification Sherloc (09022015). Collection method: clinical testing. Allele origin: germline.

CeGaT Center for Human Genetics Tuebingen
Classification: Likely benign. Last evaluated: 2025-09-01. Review status: criteria provided, single submitter. Criteria: CeGaT Center For Human Genetics Tuebingen Variant Classification Criteria Version 2. Collection method: clinical testing. Allele origin: germline. Affected: yes. Observed: 1 variant allele.
Comment: SCN3A: BP4, BP7

NM_006922.4(SCN3A):c.2637G>C (p.Val879=)

Gene: SCN3A (sodium voltage-gated channel alpha subunit 3; minus strand). Cytogenetic location: 2q24.3.
Variant type: single nucleotide variant.
Coding change: c.2637G>C on transcript NM_006922.4 (MANE Select); coding-DNA position 2637, G replaced by C.
Protein change: p.Val879=; no amino-acid change (valine 879 retained).
Molecular consequence: synonymous variant.
Genome position (GRCh38, 1-based): chr2:165,130,225, C>G on the plus strand (G>C on the coding strand, the complement: SCN3A is on the minus strand). VCF-style: chr2-165130225-C-G. GRCh37 (hg19) VCF-style: chr2-165986735-C-G.
Other names: c.2490G>C, p.Val830= (NM_001081676.2, NM_001081677.2).
Identifiers: ClinVar variation 696455 (VCV000696455.14), dbSNP rs142517362, ClinGen allele CA1938917.